The following is an entry in ClinVar:

NM_001367624.2(ZNF469):c.9451C>T (p.Arg3151Cys)

Gene: ZNF469 (zinc finger protein 469; plus strand). Cytogenetic location: 16q24.2.
Variant type: single nucleotide variant.
Coding change: c.9451C>T on transcript NM_001367624.2 (MANE Select); coding-DNA position 9451, C replaced by T.
Protein change: p.Arg3151Cys; replaces arginine 3151 with cysteine.
Molecular consequence: missense variant.
Genome position (GRCh38, 1-based): chr16:88,436,921, C>T. VCF-style: chr16-88436921-C-T. GRCh37 (hg19) VCF-style: chr16-88503329-C-T.
Other names: NM_001127464.1:c.9367C>T; short protein forms R3151C.
Identifiers: ClinVar variation 2134300 (VCV002134300.2), dbSNP rs755567767, ClinGen allele CA286385419.

ClinVar aggregate classification (germline): Uncertain significance. Review status: criteria provided, multiple submitters, no conflicts (2 of 4 stars). 2 submissions from 2 submitters: Uncertain significance (2). Last evaluated 2024-02-26.

Conditions:
Cardiovascular phenotype. Identifiers: MedGen CN230736.

Allele frequency attached by ClinVar (database versions not stated): gnomAD exomes below 0.00001; TOPMed below 0.00001.
gnomAD v4.1: 5 of 1,498,048 alleles (0.00033%); highest among the groups gnomAD compares: South Asian, 0.0013%; no homozygotes.

Submissions (2):

Ambry Genetics
Classification: Uncertain significance for Cardiovascular phenotype. Last evaluated: 2024-02-26. Review status: criteria provided, single submitter. Criteria: Ambry Variant Classification Scheme 2023. Collection method: clinical testing. Allele origin: germline.

Labcorp Genetics (formerly Invitae), Labcorp
Classification: Uncertain significance. Last evaluated: 2022-05-17. Review status: criteria provided, single submitter. Criteria: Invitae Variant Classification Sherloc (09022015). Collection method: clinical testing. Allele origin: germline.
Comment: This sequence change replaces arginine, which is basic and polar, with cysteine, which is neutral and slightly polar, at codon 3123 of the ZNF469 protein (p.Arg3123Cys). This variant is present in population databases (rs755567767, gnomAD 0.006%). This variant has not been reported in the literature in individuals affected with ZNF469-related conditions. Algorithms developed to predict the effect of missense changes on protein structure and function are either unavailable or do not agree on the potential impact of this missense change (SIFT: "Deleterious"; PolyPhen-2: "Probably Damaging"; Align-GVGD: "Class C0"). In summary, the available evidence is currently insufficient to determine the role of this variant in disease. Therefore, it has been classified as a Variant of Uncertain Significance.